The following is an entry in ClinVar:

ClinVar aggregate classification (germline): Benign. Review status: criteria provided, multiple submitters, no conflicts (2 of 4 stars). 2 submissions from 2 submitters: Benign (2). Last evaluated 2018-06-14.

Allele frequency attached by ClinVar (database versions not stated): gnomAD exomes 0.18359 and 0.18963; ExAC 0.19675; gnomAD 0.26129 and 0.26653; 1000 Genomes Project 0.27396; 1000 Genomes Project 30x 0.28154; TOPMed 0.28223; ESP Exome Variant Server 0.28479.
gnomAD v4.1: 309,701 of 1,612,930 alleles (19%); highest among the groups gnomAD compares: African/African-American, 50%; 34,875 homozygotes.

Submissions (2):

GeneDx
Classification: Benign. Last evaluated: 2018-06-14. Review status: criteria provided, single submitter. Criteria: GeneDx Variant Classification (06012015). Collection method: clinical testing. Allele origin: germline. Affected: yes.
Comment: This variant is considered likely benign or benign based on one or more of the following criteria: it is a conservative change, it occurs at a poorly conserved position in the protein, it is predicted to be benign by multiple in silico algorithms, and/or has population frequency not consistent with disease.

Breakthrough Genomics
Classification: Benign. Review status: criteria provided, single submitter. Criteria: ACMG Guidelines, 2015. Collection method: not provided. Allele origin: germline. Inheritance: Autosomal recessive inheritance. Affected: yes.

NM_006736.6(DNAJB2):c.176-38C>T

Gene: DNAJB2 (DnaJ heat shock protein family (Hsp40) member B2; plus strand). Cytogenetic location: 2q35.
Variant type: single nucleotide variant.
Coding change: c.176-38C>T on transcript NM_006736.6 (MANE Select); 38 bases into the intron before coding-DNA position 176, C replaced by T.
Molecular consequence: intron variant.
Genome position (GRCh38, 1-based): chr2:219,281,680, C>T. VCF-style: chr2-219281680-C-T. GRCh37 (hg19) VCF-style: chr2-220146402-C-T.
Other names: c.176-38C>T (NM_001039550.2).
Identifiers: ClinVar variation 674022 (VCV000674022.2), dbSNP rs3731896, ClinGen allele CA2122847.